The following is an entry in ClinVar:

NM_000393.5(COL5A2):c.806C>G (p.Pro269Arg)

Gene: COL5A2 (collagen type V alpha 2 chain; minus strand). Cytogenetic location: 2q32.2.
Variant type: single nucleotide variant.
Coding change: c.806C>G on transcript NM_000393.5 (MANE Select); coding-DNA position 806, C replaced by G.
Protein change: p.Pro269Arg; replaces proline 269 with arginine.
Molecular consequence: missense variant.
Genome position (GRCh38, 1-based): chr2:189,084,030, G>C on the plus strand (C>G on the coding strand, the complement: COL5A2 is on the minus strand). VCF-style: chr2-189084030-G-C. GRCh37 (hg19) VCF-style: chr2-189948756-G-C.
Other names: short protein forms P269R.
Identifiers: ClinVar variation 2707879 (VCV002707879.3), dbSNP rs2469352465, ClinGen allele CA349857703.

ClinVar aggregate classification (germline): Uncertain significance (1 of 4 stars; one submission).

Conditions:
Ehlers-Danlos syndrome, classic type, 1 (EDSCL1). Also called: EHLERS-DANLOS SYNDROME, GRAVIS TYPE; EHLERS-DANLOS SYNDROME, SEVERE CLASSIC TYPE; Ehlers-Danlos syndrome, type 1; Ehlers-Danlos Syndrome, Classic Type, COL5A1-Related; EDS I. Identifiers: MedGen C0268335, MONDO:0019567, OMIM 130000.

Submission:

Labcorp Genetics (formerly Invitae), Labcorp
Classification: Uncertain significance for Ehlers-Danlos syndrome, classic type, 1. Last evaluated: 2024-01-06. Review status: criteria provided, single submitter. Criteria: Invitae Variant Classification Sherloc (09022015). Collection method: clinical testing. Allele origin: germline.
Comment: This sequence change replaces proline, which is neutral and non-polar, with arginine, which is basic and polar, at codon 269 of the COL5A2 protein (p.Pro269Arg). This variant is not present in population databases (gnomAD no frequency). This variant has not been reported in the literature in individuals affected with COL5A2-related conditions. Advanced modeling of protein sequence and biophysical properties (such as structural, functional, and spatial information, amino acid conservation, physicochemical variation, residue mobility, and thermodynamic stability) performed at Invitae indicates that this missense variant is not expected to disrupt COL5A2 protein function with a negative predictive value of 80%. In summary, the available evidence is currently insufficient to determine the role of this variant in disease. Therefore, it has been classified as a Variant of Uncertain Significance.